The following is an entry in ClinVar:

NM_016222.4(DDX41):c.844C>T (p.Arg282Cys)

Gene: DDX41 (DEAD-box helicase 41; minus strand). Cytogenetic location: 5q35.3.
Variant type: single nucleotide variant.
Coding change: c.844C>T on transcript NM_016222.4 (MANE Select); coding-DNA position 844, C replaced by T.
Protein change: p.Arg282Cys; replaces arginine 282 with cysteine.
Molecular consequence: missense variant.
Genome position (GRCh38, 1-based): chr5:177,514,792, G>A on the plus strand (C>T on the coding strand, the complement: DDX41 is on the minus strand). VCF-style: chr5-177514792-G-A. GRCh37 (hg19) VCF-style: chr5-176941793-G-A.
Other names: c.844C>T (NM_016222.2); c.466C>T, p.Arg156Cys (NM_001321732.2, NM_001321830.2); short protein forms R156C, R282C.
Identifiers: ClinVar variation 2674772 (VCV002674772.6), dbSNP rs764156386, ClinGen allele CA3584999.
Genomic context (GRCh38, chr5:177,514,792, plus strand): 5'-ACATGCCCCCAATGCAGAGGGCGCAGCGCAGGAGTGGTGAGCTGTCCTCCTGCAGCAGGC[G>A]GCAGTAGTACTCCAGGATGCCATGGGTCTGCCGGGCCAGCTCCCGCTGCAGGCAGAGGGA-3'
Protein context (NP_057306.2, residues 272-292): QTHGILEYYC[Arg282Cys]LLQEDSSPLL

ClinVar aggregate classification (germline): Conflicting classifications of pathogenicity. Review status: criteria provided, conflicting classifications (1 of 4 stars). 4 submissions from 4 submitters: Uncertain significance (3); Likely benign (1). Last evaluated 2025-09-23.

Conditions:
Inborn genetic diseases. Identifiers: MedGen C0950123, MeSH D030342.
DDX41-related hematologic malignancy predisposition syndrome. Also called: Myeloproliferative/lymphoproliferative neoplasms, familial (multiple types), susceptibility to; DDX41-Associated Familial Myelodysplastic Syndrome and Acute Myeloid Leukemia. Identifiers: Orphanet 488647, MedGen C4225174, MONDO:0014809, OMIM 616871.

Allele frequency attached by ClinVar (database versions not stated): gnomAD 0.00002; ExAC 0.00003.

Submissions (4):

Labcorp Genetics (formerly Invitae), Labcorp
Classification: Uncertain significance. Last evaluated: 2025-09-23. Review status: criteria provided, single submitter. Criteria: Invitae Variant Classification Sherloc (09022015). Collection method: clinical testing. Allele origin: germline.
Comment: This sequence change replaces arginine, which is basic and polar, with cysteine, which is neutral and slightly polar, at codon 282 of the DDX41 protein (p.Arg282Cys). This variant is present in population databases (rs764156386, gnomAD 0.005%). This missense change has been observed in individual(s) with DDX41-related conditions (PMID: 37154083, 37506341). ClinVar contains an entry for this variant (Variation ID: 2674772). An algorithm developed to predict the effect of missense changes on protein structure and function (PolyPhen-2) suggests that this variant is likely to be disruptive. In summary, the available evidence is currently insufficient to determine the role of this variant in disease. Therefore, it has been classified as a Variant of Uncertain Significance.

Ambry Genetics
Classification: Likely benign for Inborn genetic diseases. Last evaluated: 2024-12-12. Review status: criteria provided, single submitter. Criteria: Ambry Variant Classification Scheme 2023. Collection method: clinical testing. Allele origin: germline.

Baylor Genetics
Classification: Uncertain significance for DDX41-related hematologic malignancy predisposition syndrome. Last evaluated: 2023-09-10. Review status: criteria provided, single submitter. Criteria: ACMG Guidelines, 2015. Collection method: clinical testing. Allele origin: unknown.

GeneDx
Classification: Uncertain significance. Last evaluated: 2023-05-16. Review status: criteria provided, single submitter. Criteria: GeneDx Variant Classification Process June 2021. Collection method: clinical testing. Allele origin: germline. Affected: yes.
Comment: In silico analysis supports that this missense variant has a deleterious effect on protein structure/function; Observed in an individual with acute myeloid leukemia (Zhang et al., 2021); This variant is associated with the following publications: (PMID: 27721487, 35844724)

Literature cited by the submitters: PubMed 37154083 (cited by Labcorp Genetics (formerly Invitae), Labcorp); PubMed 37506341 (cited by Labcorp Genetics (formerly Invitae), Labcorp).